The following is an entry in ClinVar:

NM_001376.5(DYNC1H1):c.2869-47T>A

Gene: DYNC1H1 (dynein cytoplasmic 1 heavy chain 1; plus strand). Cytogenetic location: 14q32.31.
Variant type: single nucleotide variant.
Coding change: c.2869-47T>A on transcript NM_001376.5 (MANE Select); 47 bases into the intron before coding-DNA position 2869, T replaced by A.
Molecular consequence: intron variant.
Genome position (GRCh38, 1-based): chr14:101,991,480, T>A. VCF-style: chr14-101991480-T-A. GRCh37 (hg19) VCF-style: chr14-102457817-T-A.
Identifiers: ClinVar variation 675465 (VCV000675465.2), dbSNP rs2720205, ClinGen allele CA7351899.

ClinVar aggregate classification (germline): Benign. Review status: criteria provided, multiple submitters, no conflicts (2 of 4 stars). 2 submissions from 2 submitters: Benign (2). Last evaluated 2018-06-18.

Allele frequency attached by ClinVar (database versions not stated): ESP Exome Variant Server 0.19640; TOPMed 0.21578; 1000 Genomes Project 0.25160; 1000 Genomes Project 30x 0.25359.

Submissions (2):

GeneDx
Classification: Benign. Last evaluated: 2018-06-18. Review status: criteria provided, single submitter. Criteria: GeneDx Variant Classification (06012015). Collection method: clinical testing. Allele origin: germline. Affected: yes.
Comment: This variant is considered likely benign or benign based on one or more of the following criteria: it is a conservative change, it occurs at a poorly conserved position in the protein, it is predicted to be benign by multiple in silico algorithms, and/or has population frequency not consistent with disease.

Breakthrough Genomics
Classification: Benign. Review status: criteria provided, single submitter. Criteria: ACMG Guidelines, 2015. Collection method: not provided. Allele origin: germline. Inheritance: Autosomal dominant inheritance. Affected: yes.